The following is an entry in ClinVar:

ClinVar aggregate classification (germline): Benign/Likely benign. Review status: criteria provided, multiple submitters, no conflicts (2 of 4 stars). 7 submissions from 7 submitters: Benign (5); Likely benign (2). Last evaluated 2026-06-01.

Conditions:
Retinal cone dystrophy 4 (RCD4). Identifiers: Orphanet 1872, MedGen C1864849, MONDO:0012507, OMIM 610478.

Allele frequency attached by ClinVar (database versions not stated): ESP Exome Variant Server 0.00469; gnomAD exomes 0.00509 and 0.00706; gnomAD 0.00513 and 0.00530; 1000 Genomes Project 30x 0.00297; TOPMed 0.00558; 1000 Genomes Project 0.00319; ExAC 0.00862.
gnomAD v4.1: 10,844 of 1,572,600 alleles (0.69%); highest among the groups gnomAD compares: Middle Eastern, 1.5%; 54 homozygotes.

Submissions (7):

CeGaT Center for Human Genetics Tuebingen
Classification: Likely benign. Last evaluated: 2026-06-01. Review status: criteria provided, single submitter. Criteria: CeGaT Center For Human Genetics Tuebingen Variant Classification Criteria Version 2. Collection method: clinical testing. Allele origin: germline. Affected: yes. Observed: 3 variant alleles.
Comment: CACNA2D4: BS2

Labcorp Genetics (formerly Invitae), Labcorp
Classification: Benign. Last evaluated: 2026-02-01. Review status: criteria provided, single submitter. Criteria: Invitae Variant Classification Sherloc (09022015). Collection method: clinical testing. Allele origin: germline.

Blueprint Genetics
Classification: Likely benign. Last evaluated: 2024-11-25. Review status: criteria provided, single submitter. Criteria: ACMG Guidelines, 2015. Collection method: clinical testing. Allele origin: germline.

Illumina Laboratory Services, Illumina
Classification: Benign for Retinal cone dystrophy 4. Last evaluated: 2018-01-13. Review status: criteria provided, single submitter. Criteria: ICSL Variant Classification Criteria 13 December 2019. Collection method: clinical testing. Allele origin: germline.
Comment: This variant was observed in the ICSL laboratory as part of a predisposition screen in an ostensibly healthy population. It had not been previously curated by ICSL or reported in the Human Gene Mutation Database (HGMD: prior to June 1st, 2018), and was therefore a candidate for classification through an automated scoring system. Utilizing variant allele frequency, disease prevalence and penetrance estimates, and inheritance mode, an automated score was calculated to assess if this variant is too frequent to cause the disease. Based on the score and internal cut-off values, a variant classified as benign is not then subjected to further curation. The score for this variant resulted in a classification of benign for this disease.

Eurofins Ntd Llc (ga)
Classification: Benign. Last evaluated: 2013-10-02. Review status: criteria provided, single submitter. Criteria: EGL Classification Definitions 2015. Collection method: clinical testing. Allele origin: germline. Observed: 2 variant alleles, 2 heterozygotes.

Breakthrough Genomics
Classification: Benign. Review status: criteria provided, single submitter. Criteria: ACMG Guidelines, 2015. Collection method: not provided. Allele origin: germline. Inheritance: Autosomal recessive inheritance. Affected: yes.

PreventionGenetics, part of Exact Sciences
Classification: Benign. Review status: criteria provided, single submitter. Criteria: ACMG Guidelines, 2015. Collection method: clinical testing. Allele origin: germline.

NM_172364.5(CACNA2D4):c.2987T>C (p.Phe996Ser)

Gene: CACNA2D4 (calcium voltage-gated channel auxiliary subunit alpha2delta 4; minus strand). Cytogenetic location: 12p13.33.
Variant type: single nucleotide variant.
Coding change: c.2987T>C on transcript NM_172364.5 (MANE Select); coding-DNA position 2987, T replaced by C.
Protein change: p.Phe996Ser; replaces phenylalanine 996 with serine.
Molecular consequence: missense variant.
Genome position (GRCh38, 1-based): chr12:1,799,683, A>G on the plus strand (T>C on the coding strand, the complement: CACNA2D4 is on the minus strand). VCF-style: chr12-1799683-A-G. GRCh37 (hg19) VCF-style: chr12-1908849-A-G.
Other names: short protein forms F996S.
Identifiers: ClinVar variation 96535 (VCV000096535.41), dbSNP rs55971855, ClinGen allele CA149593.
Genomic context (GRCh38, chr12:1,799,683, plus strand): 5'-GCTGCGTCCCCAACCCACCGCCAGCAGGGATGGCCTCAGCTGGGCTACTTACAGTGATGG[A>G]AGACACTTTTGGCTGGCCGGAACATAAGCCCAGCACAGGGTGGACACGGCACAGGAAAAC-3'
Protein context (NP_758952.4, residues 986-1006): YDRGAEAKSV[Phe996Ser]HHSHKHKKQD